The following is an entry in ClinVar:

ClinVar aggregate classification (germline): Uncertain significance. Review status: criteria provided, multiple submitters, no conflicts (2 of 4 stars). 2 submissions from 2 submitters: Uncertain significance (2). Last evaluated 2024-06-19.

Conditions:
Retinal dystrophy. Also called: Inherited retinal dystrophy. Identifiers: Orphanet 71862, MedGen C0854723, MeSH D058499, MONDO:0019118, HP:0000556.
Bardet-Biedl syndrome (BBS). Identifiers: Orphanet 110, MedGen C0752166, MONDO:0015229.

gnomAD v4.1: 8 of 1,613,968 alleles (0.0005%); highest among the groups gnomAD compares: East Asian, 0.011%; no homozygotes.

Submissions (2):

Labcorp Genetics (formerly Invitae), Labcorp
Classification: Uncertain significance for Bardet-Biedl syndrome. Last evaluated: 2024-06-19. Review status: criteria provided, single submitter. Criteria: Invitae Variant Classification Sherloc (09022015). Collection method: clinical testing. Allele origin: germline.
Comment: This sequence change replaces alanine, which is neutral and non-polar, with glutamic acid, which is acidic and polar, at codon 136 of the BBS2 protein (p.Ala136Glu). This variant is present in population databases (rs373166163, gnomAD 0.0009%). This variant has not been reported in the literature in individuals affected with BBS2-related conditions. ClinVar contains an entry for this variant (Variation ID: 1907866). Advanced modeling of protein sequence and biophysical properties (such as structural, functional, and spatial information, amino acid conservation, physicochemical variation, residue mobility, and thermodynamic stability) performed at Invitae indicates that this missense variant is expected to disrupt BBS2 protein function with a positive predictive value of 80%. In summary, the available evidence is currently insufficient to determine the role of this variant in disease. Therefore, it has been classified as a Variant of Uncertain Significance.

Dept Of Ophthalmology, Nagoya University
Classification: Uncertain significance for Retinal dystrophy. Last evaluated: 2023-10-01. Review status: criteria provided, single submitter. Criteria: Submitter's publication. Collection method: research. Allele origin: germline. Affected: yes.

NM_031885.5(BBS2):c.407C>A (p.Ala136Glu)

Gene: BBS2 (Bardet-Biedl syndrome 2; minus strand). Cytogenetic location: 16q13.
Variant type: single nucleotide variant.
Coding change: c.407C>A on transcript NM_031885.5 (MANE Select); coding-DNA position 407, C replaced by A.
Protein change: p.Ala136Glu; replaces alanine 136 with glutamic acid.
Molecular consequence: missense variant. On other transcripts: non-coding transcript variant (5).
Genome position (GRCh38, 1-based): chr16:56,511,223, G>T on the plus strand (C>A on the coding strand, the complement: BBS2 is on the minus strand). VCF-style: chr16-56511223-G-T. GRCh37 (hg19) VCF-style: chr16-56545135-G-T.
Other names: c.407C>A, p.Ala136Glu (NM_001377456.1); short protein forms A136E.
Identifiers: ClinVar variation 1907866 (VCV001907866.6), dbSNP rs373166163, ClinGen allele CA8066056.
Genomic context (GRCh38, chr16:56,511,223, plus strand): 5'-CAAAAGAGATCACTTCCTTCATGATTGAAACCTTGCAGAGCACAATTGCCACCAATAATC[G>T]CAAGAGGGGAAGAAATGTCTCCCAATGTCCCCAGCACAATTGCATTTGCCCCATCTGCTA-3'
Protein context (NP_114091.4, residues 126-146): GTLGDISSPL[Ala136Glu]IIGGNCALQG